The following is an entry in ClinVar:

ClinVar aggregate classification (germline): Uncertain significance (1 of 4 stars; one submission).

Allele frequency attached by ClinVar (database versions not stated): TOPMed below 0.00001.

Submission:

GeneDx
Classification: Uncertain significance. Last evaluated: 2017-02-22. Review status: criteria provided, single submitter. Criteria: GeneDx Variant Classification (06012015). Collection method: clinical testing. Allele origin: germline. Affected: yes.
Comment: The S21444P variant in the TTN gene has not been reported previously as a pathogenic variant, nor as a benign variant, to our knowledge. The S21444P variant is not observed in large population cohorts (Lek et al., 2016; 1000 Genomes Consortium et al., 2015; Exome Variant Server). The S21444P variant is a non-conservative amino acid substitution, which is likely to impact secondary protein structure as these residues differ in polarity, charge, size and/or other properties. This substitution occurs at a position in the A-band that is conserved across species. In silico analysis predicts this variant is probably damaging to the protein structure/function. We interpret S21444P as a variant of uncertain significance.

NM_001267550.2(TTN):c.72034T>C (p.Ser24012Pro)

Genes: TTN (titin; minus strand), TTN-AS1 (TTN antisense RNA 1; plus strand). Cytogenetic location: 2q31.2.
Variant type: single nucleotide variant.
Coding change: c.72034T>C on transcript NM_001267550.2 (MANE Select); coding-DNA position 72034, T replaced by C.
Protein change: p.Ser24012Pro; replaces serine 24012 with proline.
Molecular consequence: missense variant.
Genome position (GRCh38, 1-based): chr2:178,574,098, A>G on the plus strand (T>C on the coding strand, the complement: TTN is on the minus strand). VCF-style: chr2-178574098-A-G. GRCh37 (hg19) VCF-style: chr2-179438825-A-G.
Other names: c.67111T>C, p.Ser22371Pro (NM_001256850.1); c.44839T>C, p.Ser14947Pro (NM_003319.4); c.64330T>C, p.Ser21444Pro (NM_133378.4); c.45214T>C, p.Ser15072Pro (NM_133432.3); c.45415T>C, p.Ser15139Pro (NM_133437.4); short protein forms S22371P, S24012P, S14947P, S15072P, S15139P, S21444P.
Identifiers: ClinVar variation 423664 (VCV000423664.2), dbSNP rs1064796562, ClinGen allele CA16617356.